The following is an entry in ClinVar:

NM_018406.7(MUC4):c.3603T>G (p.Leu1201=)

Gene: MUC4 (mucin 4, cell surface associated). Cytogenetic location: 3q29.
Variant type: single nucleotide variant.
Coding change: c.3603T>G on transcript NM_018406.7 (MANE Select); coding-DNA position 3603, T replaced by G.
Protein change: p.Leu1201=; no amino-acid change (leucine 1201 retained).
Molecular consequence: synonymous variant. On other transcripts: intron variant (2).
Genome position (GRCh38, 1-based): chr3:195,787,977, A>C on the plus strand (T>G on the coding strand, the complement: MUC4 is on the minus strand). VCF-style: chr3-195787977-A-C. GRCh37 (hg19) VCF-style: chr3-195514848-A-C.
Other names: c.83-13672T>G (NM_138297.5); c.83-9522T>G (NM_004532.6).
Identifiers: ClinVar variation 4086029 (VCV004086029.8).

ClinVar aggregate classification (germline): Likely benign (1 of 4 stars; one submission).

gnomAD v4.1: 7,410 of 1,283,332 alleles (0.58%); highest among the groups gnomAD compares: South Asian, 0.79%; 235 homozygotes.

Submission:

CeGaT Center for Human Genetics Tuebingen
Classification: Likely benign. Last evaluated: 2025-07-01. Review status: criteria provided, single submitter. Criteria: CeGaT Center For Human Genetics Tuebingen Variant Classification Criteria Version 2. Collection method: clinical testing. Allele origin: germline. Affected: yes. Observed: 1 variant allele.
Comment: MUC4: BP4, BS2